The following is an entry in ClinVar:

NM_003114.5(SPAG1):c.1961A>G (p.Asn654Ser)

Gene: SPAG1 (sperm associated antigen 1; plus strand). Cytogenetic location: 8q22.2.
Variant type: single nucleotide variant.
Coding change: c.1961A>G on transcript NM_003114.5 (MANE Select); coding-DNA position 1961, A replaced by G.
Protein change: p.Asn654Ser; replaces asparagine 654 with serine.
Molecular consequence: missense variant.
Genome position (GRCh38, 1-based): chr8:100,231,261, A>G. VCF-style: chr8-100231261-A-G. GRCh37 (hg19) VCF-style: chr8-101243489-A-G.
Other names: c.1961A>G, p.Asn654Ser (NM_001374321.1, NM_172218.3); short protein forms N654S.
Identifiers: ClinVar variation 957095 (VCV000957095.9), dbSNP rs763758961, ClinGen allele CA4827634.

ClinVar aggregate classification (germline): Uncertain significance (1 of 4 stars; one submission).

Conditions:
Primary ciliary dyskinesia 28. Also called: CILIARY DYSKINESIA, PRIMARY, 28, WITH OR WITHOUT SITUS INVERSUS. Identifiers: Orphanet 244, MedGen C3809706, MONDO:0014216, OMIM 615505.

Allele frequency attached by ClinVar (database versions not stated): gnomAD exomes below 0.00001; ExAC 0.00001; TOPMed 0.00002.
gnomAD v4.1: 5 of 1,596,482 alleles (0.00031%); highest among the groups gnomAD compares: African/African-American, 0.0027%; no homozygotes.

Submission:

Labcorp Genetics (formerly Invitae), Labcorp
Classification: Uncertain significance for Primary ciliary dyskinesia 28. Last evaluated: 2019-08-13. Review status: criteria provided, single submitter. Criteria: Invitae Variant Classification Sherloc (09022015). Collection method: clinical testing. Allele origin: germline.
Comment: This sequence change replaces asparagine with serine at codon 654 of the SPAG1 protein (p.Asn654Ser). The asparagine residue is weakly conserved and there is a small physicochemical difference between asparagine and serine. This variant is present in population databases (rs763758961, ExAC 0.01%). In summary, the available evidence is currently insufficient to determine the role of this variant in disease. Therefore, it has been classified as a Variant of Uncertain Significance. Algorithms developed to predict the effect of sequence changes on RNA splicing suggest that this variant may create or strengthen a splice site, but this prediction has not been confirmed by published transcriptional studies. Algorithms developed to predict the effect of missense changes on protein structure and function output the following: SIFT: "Tolerated"; PolyPhen-2: "Benign"; Align-GVGD: "Class C0". The serine amino acid residue is found in multiple mammalian species, suggesting that this missense change does not adversely affect protein function. These predictions have not been confirmed by published functional studies and their clinical significance is uncertain. This variant has not been reported in the literature in individuals with SPAG1-related conditions.